The following is an entry in ClinVar:

NM_000179.3(MSH6):c.816A>C (p.Glu272Asp)

Gene: MSH6 (mutS homolog 6; plus strand). Cytogenetic location: 2p16.3.
Variant type: single nucleotide variant.
Coding change: c.816A>C on transcript NM_000179.3 (MANE Select); coding-DNA position 816, A replaced by C.
Protein change: p.Glu272Asp; replaces glutamic acid 272 with aspartic acid.
Molecular consequence: missense variant. On other transcripts: 5 prime UTR variant (2).
Genome position (GRCh38, 1-based): chr2:47,798,799, A>C. VCF-style: chr2-47798799-A-C. GRCh37 (hg19) VCF-style: chr2-48025938-A-C.
Other names: c.426A>C, p.Glu142Asp (NM_001281492.2); c.-91A>C (NM_001281493.2, NM_001281494.2); short protein forms E272D, E142D.
Identifiers: ClinVar variation 216322 (VCV000216322.21), dbSNP rs863224631, ClinGen allele CA338298.

ClinVar aggregate classification (germline): Uncertain significance. Review status: criteria provided, multiple submitters, no conflicts (2 of 4 stars). 4 submissions from 4 submitters: Uncertain significance (4). Last evaluated 2025-05-28.

Conditions:
Hereditary nonpolyposis colorectal neoplasms. Identifiers: MedGen C0009405, MeSH D003123.
Hereditary cancer-predisposing syndrome. Also called: Hereditary Cancer Syndrome; Hereditary neoplastic syndrome; Neoplastic Syndromes, Hereditary; Tumor predisposition. Identifiers: Orphanet 140162, MedGen C0027672, MeSH D009386, MONDO:0015356.

Allele frequency attached by ClinVar (database versions not stated): gnomAD exomes below 0.00001.
gnomAD v4.1: 1 of 1,614,208 alleles (0.000062%); highest among the groups gnomAD compares: Non-Finnish European, 0.000085%; no homozygotes.

Submissions (4):

Labcorp Genetics (formerly Invitae), Labcorp
Classification: Uncertain significance for Hereditary nonpolyposis colorectal neoplasms. Last evaluated: 2025-05-28. Review status: criteria provided, single submitter. Criteria: Invitae Variant Classification Sherloc (09022015). Collection method: clinical testing. Allele origin: germline.
Comment: This sequence change replaces glutamic acid, which is acidic and polar, with aspartic acid, which is acidic and polar, at codon 272 of the MSH6 protein (p.Glu272Asp). This variant is not present in population databases (gnomAD no frequency). This variant has not been reported in the literature in individuals affected with MSH6-related conditions. ClinVar contains an entry for this variant (Variation ID: 216322). Invitae Evidence Modeling of protein sequence and biophysical properties (such as structural, functional, and spatial information, amino acid conservation, physicochemical variation, residue mobility, and thermodynamic stability) indicates that this missense variant is not expected to disrupt MSH6 protein function with a negative predictive value of 95%. In summary, the available evidence is currently insufficient to determine the role of this variant in disease. Therefore, it has been classified as a Variant of Uncertain Significance.

Institute for Biomarker Research, Medical Diagnostic Laboratories, L.L.C.
Classification: Uncertain significance for Hereditary cancer-predisposing syndrome. Last evaluated: 2024-04-22. Review status: criteria provided, single submitter. Criteria: ACMG Guidelines, 2015. Collection method: clinical testing. Allele origin: germline.

Color Diagnostics, LLC DBA Color Health
Classification: Uncertain significance for Hereditary cancer-predisposing syndrome. Last evaluated: 2023-12-05. Review status: criteria provided, single submitter. Criteria: ACMG Guidelines, 2015. Collection method: clinical testing. Allele origin: germline.
Comment: This missense variant replaces glutamic acid with aspartic acid at codon 272 of the MSH6 protein. Computational prediction suggests that this variant may not impact protein structure and function (internally defined REVEL score threshold <= 0.5, PMID: 27666373). To our knowledge, functional studies have not been reported for this variant. This variant has not been reported in individuals affected with MSH6-related disorders in the literature. This variant has not been identified in the general population by the Genome Aggregation Database (gnomAD). The available evidence is insufficient to determine the role of this variant in disease conclusively. Therefore, this variant is classified as a Variant of Uncertain Significance.

Ambry Genetics
Classification: Uncertain significance for Hereditary cancer-predisposing syndrome. Last evaluated: 2019-07-23. Review status: criteria provided, single submitter. Criteria: Ambry Variant Classification Scheme 2023. Collection method: clinical testing. Allele origin: germline.
Comment: The p.E272D variant (also known as c.816A>C), located in coding exon 4 of the MSH6 gene, results from an A to C substitution at nucleotide position 816. The glutamic acid at codon 272 is replaced by aspartic acid, an amino acid with highly similar properties. This amino acid position is well conserved in available vertebrate species. In addition, this alteration is predicted to be tolerated by in silico analysis. Since supporting evidence is limited at this time, the clinical significance of this alteration remains unclear.